The following is an entry in ClinVar:

NM_004329.3(BMPR1A):c.393C>A (p.Asn131Lys)

Gene: BMPR1A (bone morphogenetic protein receptor type 1A; plus strand). Cytogenetic location: 10q23.2.
Variant type: single nucleotide variant.
Coding change: c.393C>A on transcript NM_004329.3 (MANE Select); coding-DNA position 393, C replaced by A.
Protein change: p.Asn131Lys; replaces asparagine 131 with lysine.
Molecular consequence: missense variant.
Genome position (GRCh38, 1-based): chr10:86,899,853, C>A. VCF-style: chr10-86899853-C-A. GRCh37 (hg19) VCF-style: chr10-88659610-C-A.
Other names: short protein forms N131K.
Identifiers: ClinVar variation 230216 (VCV000230216.5), dbSNP rs786202136, ClinGen allele CA10578877.
Genomic context (GRCh38, chr10:86,899,853, plus strand): 5'-GGATTCTCCAAAAGCCCAGCTACGCCGGACAATAGAATGTTGTCGGACCAATTTATGTAA[C>A]CAGTATTTGCAACCCACACTGCCCCCTGTTGTCATAGGTAGGTTAGCCGAGAAAAGTCGG-3'
Protein context (NP_004320.2, residues 121-141): TIECCRTNLC[Asn131Lys]QYLQPTLPPV

ClinVar aggregate classification (germline): Uncertain significance (1 of 4 stars; one submission).

Conditions:
Hereditary cancer-predisposing syndrome. Also called: Hereditary neoplastic syndrome; Hereditary Cancer Syndrome; Neoplastic Syndromes, Hereditary; Tumor predisposition. Identifiers: Orphanet 140162, MedGen C0027672, MeSH D009386, MONDO:0015356.

Submission:

Ambry Genetics
Classification: Uncertain significance for Hereditary cancer-predisposing syndrome. Last evaluated: 2015-01-23. Review status: criteria provided, single submitter. Criteria: Ambry Variant Classification Scheme 2023. Collection method: clinical testing. Allele origin: germline.
Comment: The p.N131K variant (also known as c.393C>A), located in coding exon 4 of the BMPR1A gene, results from a C to A substitution at nucleotide position 393. The asparagine at codon 131 is replaced by lysine, an amino acid with similar properties. This variant was not reported in population based cohorts in the following databases: Database of Single Nucleotide Polymorphisms (dbSNP), NHLBI Exome Sequencing Project (ESP), and 1000 Genomes Project. In the ESP, this variant was not observed in 6503 samples (13006 alleles) with coverage at this position. To date, this alteration has been detected with an allele frequency of approximately 0.005% (greater than 18000 alleles tested) in our clinical cohort. This amino acid position is highly conserved in available vertebrate species. In addition, the in silico prediction for this alteration is inconclusive. Since supporting evidence is limited at this time, the clinical significance of p.N131K remains unclear.